The following is an entry in ClinVar:

NM_005633.4(SOS1):c.1199dup (p.Ser401fs)

Gene: SOS1 (SOS Ras/Rac guanine nucleotide exchange factor 1; minus strand). Cytogenetic location: 2p22.1.
Variant type: Duplication.
Coding change: c.1199dup on transcript NM_005633.4 (MANE Select); coding-DNA position 1199, one base duplicated (T; older notation c.1199dupT).
Protein change: p.Ser401fs; shifts the reading frame from serine 401.
Molecular consequence: frameshift variant.
Genome position (GRCh38, 1-based): chr2:39,024,013, A duplicated on the plus strand (T on the coding strand, the reverse complement: SOS1 is on the minus strand). VCF-style (leftmost placement, unchanged base first): chr2-39024012-C-CA. GRCh37 (hg19) VCF-style: chr2-39251153-C-CA.
Other names: c.1178dup, p.Ser394fs (NM_001382394.1); c.1199dup, p.Ser401fs (NM_001382395.1); short protein forms S401fs, S394fs.
Identifiers: ClinVar variation 1405078 (VCV001405078.6), dbSNP rs2124539539, ClinGen allele CA2573134617.

ClinVar aggregate classification (germline): Uncertain significance (1 of 4 stars; one submission).

Conditions:
RASopathy. Also called: rasopathies; Noonan spectrum disorder. Identifiers: Orphanet 536391, MedGen C5555857, MONDO:0021060.

Submission:

Labcorp Genetics (formerly Invitae), Labcorp
Classification: Uncertain significance for RASopathy. Last evaluated: 2022-08-31. Review status: criteria provided, single submitter. Criteria: Invitae Variant Classification Sherloc (09022015). Collection method: clinical testing. Allele origin: germline.
Comment: In summary, the available evidence is currently insufficient to determine the role of this variant in disease. Therefore, it has been classified as a Variant of Uncertain Significance. ClinVar contains an entry for this variant (Variation ID: 1405078). This variant has not been reported in the literature in individuals affected with SOS1-related conditions. This variant is not present in population databases (gnomAD no frequency). This sequence change creates a premature translational stop signal (p.Ser401Glufs*2) in the SOS1 gene. It is expected to result in an absent or disrupted protein product. However, the current clinical and genetic evidence is not sufficient to establish whether loss-of-function variants in SOS1 cause disease.